The following is an entry in ClinVar:

ClinVar aggregate classification (germline): Uncertain significance (1 of 4 stars; one submission).

Conditions:
Multiple gastrointestinal atresias. Also called: FAMILIAL INTESTINAL POLYATRESIA SYNDROME; Multiple intestinal atresia. Identifiers: Orphanet 2300, MedGen C0220744, MONDO:0009465.

Submission:

Labcorp Genetics (formerly Invitae), Labcorp
Classification: Uncertain significance for Multiple gastrointestinal atresias. Last evaluated: 2021-03-31. Review status: criteria provided, single submitter. Criteria: Invitae Variant Classification Sherloc (09022015). Collection method: clinical testing. Allele origin: germline.
Comment: This sequence change falls in intron 9 of the TTC7A gene. It does not directly change the encoded amino acid sequence of the TTC7A protein. In summary, the available evidence is currently insufficient to determine the role of this variant in disease. Therefore, it has been classified as a Variant of Uncertain Significance. Algorithms developed to predict the effect of sequence changes on RNA splicing suggest that this variant may create or strengthen a splice site, but this prediction has not been confirmed by published transcriptional studies. This variant has not been reported in the literature in individuals with TTC7A-related conditions. This variant is not present in population databases (ExAC no frequency).

NM_020458.4(TTC7A):c.1203+16_1203+30delinsACGTACTG

Gene: TTC7A (tetratricopeptide repeat domain 7A; plus strand). Cytogenetic location: 2p21.
Variant type: Indel.
Coding change: c.1203+16_1203+30delinsACGTACTG on transcript NM_020458.4 (MANE Select); bases 16 to 30 of the intron after coding-DNA position 1203, CAGCCCACCCCACTC replaced by ACGTACTG.
Molecular consequence: intron variant.
Genome position (GRCh38, 1-based): chr2:47,006,075-47,006,089, CAGCCCACCCCACTC replaced by ACGTACTG. VCF-style: chr2-47006075-CAGCCCACCCCACTC-ACGTACTG. GRCh37 (hg19) VCF-style: chr2-47233214-CAGCCCACCCCACTC-ACGTACTG.
Other names: c.1101+16_1101+30delinsACGTACTG (NM_001288953.2); c.1203+16_1203+30delinsACGTACTG (NM_001288951.2); c.141+16_141+30delinsACGTACTG (NM_001288955.2).
Identifiers: ClinVar variation 1366450 (VCV001366450.8), dbSNP rs2104453963, ClinGen allele CA2573134830.